The following is an entry in ClinVar:

NM_021098.3(CACNA1H):c.411+151G>A

Gene: CACNA1H (calcium voltage-gated channel subunit alpha1 H; plus strand). Cytogenetic location: 16p13.3.
Variant type: single nucleotide variant.
Coding change: c.411+151G>A on transcript NM_021098.3 (MANE Select); 151 bases into the intron after coding-DNA position 411, G replaced by A.
Molecular consequence: intron variant.
Genome position (GRCh38, 1-based): chr16:1,195,234, G>A. VCF-style: chr16-1195234-G-A. GRCh37 (hg19) VCF-style: chr16-1245234-G-A.
Other names: c.411+151G>A (NM_001005407.2).
Identifiers: ClinVar variation 1684103 (VCV001684103.2), dbSNP rs9939215, ClinGen allele CA276636029.

ClinVar aggregate classification (germline): Likely benign (1 of 4 stars; one submission).

Allele frequency attached by ClinVar (database versions not stated): 1000 Genomes Project 0.00879; gnomAD 0.01309 and 0.01374.
gnomAD v4.1: 1,899 of 144,520 alleles (1.3%); highest among the groups gnomAD compares: Non-Finnish European, 1.5%; 8 homozygotes.

Submission:

GeneDx
Classification: Likely benign. Last evaluated: 2021-05-25. Review status: criteria provided, single submitter. Criteria: GeneDx Variant Classification Process June 2021. Collection method: clinical testing. Allele origin: germline. Affected: yes.
Comment: See Variant Classification Assertion Criteria.